The following is an entry in ClinVar:

ClinVar aggregate classification (germline): Uncertain significance (1 of 4 stars; one submission).

Submission:

Labcorp Genetics (formerly Invitae), Labcorp
Classification: Uncertain significance. Last evaluated: 2020-08-27. Review status: criteria provided, single submitter. Criteria: Invitae Variant Classification Sherloc (09022015). Collection method: clinical testing. Allele origin: germline.
Comment: This sequence change replaces tyrosine with histidine at codon 98 of the PLEKHM2 protein (p.Tyr98His). The tyrosine residue is highly conserved and there is a moderate physicochemical difference between tyrosine and histidine. In summary, the available evidence is currently insufficient to determine the role of this variant in disease. Therefore, it has been classified as a Variant of Uncertain Significance. The frequency data for this variant in the population databases is not available, as this variant may be reported as separate entries in the ExAC database. This variant has not been reported in the literature in individuals with PLEKHM2-related conditions. Experimental studies and prediction algorithms are not available or were not evaluated, and the functional significance of this variant is currently unknown.

NM_015164.4(PLEKHM2):c.291_292inv (p.Tyr98His)

Gene: PLEKHM2 (pleckstrin homology and RUN domain containing M2; plus strand). Cytogenetic location: 1p36.21.
Variant type: Inversion.
Coding change: c.291_292inv on transcript NM_015164.4 (MANE Select).
Protein change: p.Tyr98His; replaces tyrosine 98 with histidine.
Molecular consequence: missense variant.
Genome position: GRCh38 VCF-style: chr1-15717906-GT-AC. GRCh37 (hg19) VCF-style: chr1-16044401-GT-AC.
Other names: short protein forms Y98H.
Identifiers: ClinVar variation 1004043 (VCV001004043.7), ClinGen allele CA2499214237.
Genomic context (GRCh38, chr1:15,717,906, plus strand): 5'-GCAGTCTGAGAGGCCTTCCTGCCGGTTACTCCTGCCTTTGTTTGCAGGCCGTGCCTGGCT[GT>AC]ACCTGGCCCTCAACGAGAACTCCTTGGAGAGCTACCTGCGGTTGTTCCAGGAGAACCTGG-3'
Protein context (NP_055979.2, residues 88-108): TNLGRSRAWL[Tyr98His]LALNENSLES